The following is an entry in ClinVar:

NM_004821.3(HAND1):c.62C>T (p.Pro21Leu)

Gene: HAND1 (heart and neural crest derivatives expressed 1; minus strand). Cytogenetic location: 5q33.2.
Variant type: single nucleotide variant.
Coding change: c.62C>T on transcript NM_004821.3 (MANE Select); coding-DNA position 62, C replaced by T.
Protein change: p.Pro21Leu; replaces proline 21 with leucine.
Molecular consequence: missense variant.
Genome position (GRCh38, 1-based): chr5:154,477,947, G>A on the plus strand (C>T on the coding strand, the complement: HAND1 is on the minus strand). VCF-style: chr5-154477947-G-A. GRCh37 (hg19) VCF-style: chr5-153857507-G-A.
Other names: short protein forms P21L.
Identifiers: ClinVar variation 1369177 (VCV001369177.8), dbSNP rs780396101, ClinGen allele CA361923897.

ClinVar aggregate classification (germline): Uncertain significance (1 of 4 stars; one submission).

Conditions:
Hypoplastic left heart syndrome. Also called: Hypoplastic left ventricle; Hypoplastic left heart. Identifiers: Orphanet 2248, MedGen C0152101, MONDO:0004933, HP:0004383.

Allele frequency attached by ClinVar (database versions not stated): TOPMed 0.00001.

Submission:

Labcorp Genetics (formerly Invitae), Labcorp
Classification: Uncertain significance for Hypoplastic left heart syndrome. Last evaluated: 2022-07-19. Review status: criteria provided, single submitter. Criteria: Invitae Variant Classification Sherloc (09022015). Collection method: clinical testing. Allele origin: germline.
Comment: In summary, the available evidence is currently insufficient to determine the role of this variant in disease. Therefore, it has been classified as a Variant of Uncertain Significance. Algorithms developed to predict the effect of missense changes on protein structure and function are either unavailable or do not agree on the potential impact of this missense change (SIFT: "Deleterious"; PolyPhen-2: "Benign"; Align-GVGD: "Class C0"). ClinVar contains an entry for this variant (Variation ID: 1369177). This variant has not been reported in the literature in individuals affected with HAND1-related conditions. This variant is not present in population databases (gnomAD no frequency). This sequence change replaces proline, which is neutral and non-polar, with leucine, which is neutral and non-polar, at codon 21 of the HAND1 protein (p.Pro21Leu).